The following is an entry in ClinVar:

NM_001042492.3(NF1):c.7156T>G (p.Phe2386Val)

Gene: NF1 (neurofibromin 1; plus strand). Cytogenetic location: 17q11.2.
Variant type: single nucleotide variant.
Coding change: c.7156T>G on transcript NM_001042492.3 (MANE Select); coding-DNA position 7156, T replaced by G.
Protein change: p.Phe2386Val; replaces phenylalanine 2386 with valine.
Molecular consequence: missense variant.
Genome position (GRCh38, 1-based): chr17:31,343,102, T>G. VCF-style: chr17-31343102-T-G. GRCh37 (hg19) VCF-style: chr17-29670120-T-G.
Other names: c.7093T>G, p.Phe2365Val (NM_000267.4); short protein forms F2386V, F2365V.
Identifiers: ClinVar variation 642993 (VCV000642993.1), dbSNP rs1597851418, ClinGen allele CA399015715.

ClinVar aggregate classification (germline): Uncertain significance (1 of 4 stars; one submission).

Conditions:
Neurofibromatosis, type 1 (NF1). Also called: NEUROFIBROMATOSIS, TYPE I, SOMATIC; VON RECKLINGHAUSEN DISEASE; Neurofibromatosis, type I; Peripheral type neurofibromatosis. Identifiers: Orphanet 636, MedGen C0027831, MONDO:0018975, OMIM 162200. Disease mechanism: loss of function.

Submission:

Labcorp Genetics (formerly Invitae), Labcorp
Classification: Uncertain significance for Neurofibromatosis, type 1. Last evaluated: 2018-10-15. Review status: criteria provided, single submitter. Criteria: Invitae Variant Classification Sherloc (09022015). Collection method: clinical testing. Allele origin: germline.
Comment: This sequence change replaces phenylalanine with valine at codon 2365 of the NF1 protein (p.Phe2365Val). The phenylalanine residue is moderately conserved and there is a small physicochemical difference between phenylalanine and valine. This variant is not present in population databases (ExAC no frequency). This variant has not been reported in the literature in individuals with NF1-related disease. Algorithms developed to predict the effect of missense changes on protein structure and function are either unavailable or do not agree on the potential impact of this missense change (SIFT: "Deleterious"; PolyPhen-2: "Benign"; Align-GVGD: "Class C0"). In summary, the available evidence is currently insufficient to determine the role of this variant in disease. Therefore, it has been classified as a Variant of Uncertain Significance.